The following is an entry in ClinVar:

NM_003072.5(SMARCA4):c.2275A>G (p.Ile759Val)

Gene: SMARCA4 (SWI/SNF related BAF chromatin remodeling complex subunit ATPase 4; plus strand). Cytogenetic location: 19p13.2.
Variant type: single nucleotide variant.
Coding change: c.2275A>G on transcript NM_003072.5 (MANE Select); coding-DNA position 2275, A replaced by G.
Protein change: p.Ile759Val; replaces isoleucine 759 with valine.
Molecular consequence: missense variant. On other transcripts: non-coding transcript variant (1).
Genome position (GRCh38, 1-based): chr19:11,012,949, A>G. VCF-style: chr19-11012949-A-G. GRCh37 (hg19) VCF-style: chr19-11123625-A-G.
Other names: c.2275A>G, p.Ile759Val (NM_001128844.3, NM_001128845.2, NM_001128846.2 and 6 more transcripts); short protein forms I759V.
Identifiers: ClinVar variation 4734790 (VCV004734790.1).

ClinVar aggregate classification (germline): Uncertain significance (1 of 4 stars; one submission).

Conditions:
Rhabdoid tumor predisposition syndrome 2 (RTPS2). Identifiers: Orphanet 231108, Orphanet 69077, MedGen C2750074, MONDO:0013224, OMIM 613325.

Submission:

Labcorp Genetics (formerly Invitae), Labcorp
Classification: Uncertain significance for Rhabdoid tumor predisposition syndrome 2. Last evaluated: 2026-01-06. Review status: criteria provided, single submitter. Criteria: Invitae Variant Classification Sherloc (09022015). Collection method: clinical testing. Allele origin: germline.
Comment: This sequence change replaces isoleucine, which is neutral and non-polar, with valine, which is neutral and non-polar, at codon 759 of the SMARCA4 protein (p.Ile759Val). This variant is not present in population databases (gnomAD no frequency). This variant has not been reported in the literature in individuals affected with SMARCA4-related conditions. An algorithm developed to predict the effect of missense changes on protein structure and function (PolyPhen-2) suggests that this variant is likely to be tolerated. In summary, the available evidence is currently insufficient to determine the role of this variant in disease. Therefore, it has been classified as a Variant of Uncertain Significance.